The following is an entry in ClinVar:

NM_001015877.2(PHF6):c.1015G>A (p.Asp339Asn)

Gene: PHF6 (PHD finger protein 6; plus strand). Cytogenetic location: Xq26.2.
Variant type: single nucleotide variant.
Coding change: c.1015G>A on transcript NM_001015877.2 (MANE Select); coding-DNA position 1015, G replaced by A.
Protein change: p.Asp339Asn; replaces aspartic acid 339 with asparagine.
Molecular consequence: missense variant.
Genome position (GRCh38, 1-based): chrX:134,425,247, G>A. VCF-style: chrX-134425247-G-A. GRCh37 (hg19) VCF-style: chrX-133559277-G-A.
Other names: c.1015G>A, p.Asp339Asn (NM_032458.3); short protein forms D339N.
Identifiers: ClinVar variation 2849204 (VCV002849204.3), dbSNP rs2520675546, ClinGen allele CA414708133.

ClinVar aggregate classification (germline): Uncertain significance (1 of 4 stars; one submission).

Conditions:
Borjeson-Forssman-Lehmann syndrome (BFLS). Also called: MENTAL RETARDATION, X-LINKED, SYNDROMIC, BORJESON-FORSSMAN-LEHMANN TYPE; MENTAL RETARDATION, EPILEPSY, AND ENDOCRINE DISORDERS; BORJESON SYNDROME. Identifiers: Orphanet 127, MedGen C0265339, MONDO:0010537, OMIM 301900.

Submission:

Labcorp Genetics (formerly Invitae), Labcorp
Classification: Uncertain significance for Borjeson-Forssman-Lehmann syndrome. Last evaluated: 2023-03-24. Review status: criteria provided, single submitter. Criteria: Invitae Variant Classification Sherloc (09022015). Collection method: clinical testing. Allele origin: germline.
Comment: This sequence change replaces aspartic acid, which is acidic and polar, with asparagine, which is neutral and polar, at codon 339 of the PHF6 protein (p.Asp339Asn). This variant is not present in population databases (gnomAD no frequency). This variant has not been reported in the literature in individuals affected with PHF6-related conditions. An algorithm developed to predict the effect of missense changes on protein structure and function (PolyPhen-2) suggests that this variant is likely to be disruptive. In summary, the available evidence is currently insufficient to determine the role of this variant in disease. Therefore, it has been classified as a Variant of Uncertain Significance.